The following is an entry in ClinVar:

NM_001365999.1(SZT2):c.5797C>T (p.His1933Tyr)

Gene: SZT2 (SZT2 subunit of KICSTOR complex; plus strand). Cytogenetic location: 1p34.2.
Variant type: single nucleotide variant.
Coding change: c.5797C>T on transcript NM_001365999.1 (MANE Select); coding-DNA position 5797, C replaced by T.
Protein change: p.His1933Tyr; replaces histidine 1933 with tyrosine.
Molecular consequence: missense variant.
Genome position (GRCh38, 1-based): chr1:43,433,183, C>T. VCF-style: chr1-43433183-C-T. GRCh37 (hg19) VCF-style: chr1-43898854-C-T.
Other names: c.5626C>T, p.His1876Tyr (NM_015284.4); short protein forms H1876Y, H1933Y.
Identifiers: ClinVar variation 1691285 (VCV001691285.4), dbSNP rs2153934308, ClinGen allele CA340026522.

ClinVar aggregate classification (germline): Uncertain significance (1 of 4 stars; one submission).

Conditions:
Developmental and epileptic encephalopathy, 18 (DEE18). Also called: Early infantile epileptic encephalopathy 18. Identifiers: Orphanet 369894, MedGen C3809624, MONDO:0014201, OMIM 615476.

gnomAD v4.1: 2 of 1,613,456 alleles (0.00012%); highest among the groups gnomAD compares: Non-Finnish European, 0.00017%; no homozygotes.

Submission:

Diagnostics Services (NGS), CSIR - Centre For Cellular And Molecular Biology
Classification: Uncertain significance for Developmental and epileptic encephalopathy, 18. Last evaluated: 2022-03-17. Review status: criteria provided, single submitter. Criteria: ACMG Guidelines, 2015. Collection method: clinical testing. Allele origin: unknown. Inheritance: Autosomal recessive inheritance. Affected: yes. Observed: 1 variant allele, 1 heterozygote.
Comment: The c.5626C>T variant is not present in publicly available population databases like 1000 Genomes, Exome Variant Server (EVS), Exome Aggregation Consortium (ExAC), Genome Aggregation Database (gnomAD) and Indian Exome Database. The variant is also not present in our in-house exome database. variant was not previously reported to Clinvar, Human Genome Mutation Database (HGMD) and/or OMIM databases, in any affected individuals. In-silico pathogenicity prediction programs like SIFT, PolyPhen-2, MutationTaster2, CADD etc. predicted this variant to be likely deleterious, however these predictions were not confirmed by any published functional studies.